The following is an entry in ClinVar:

ClinVar aggregate classification (germline): Uncertain significance. Review status: criteria provided, multiple submitters, no conflicts (2 of 4 stars). 2 submissions from 2 submitters: Uncertain significance (2). Last evaluated 2025-12-22.

Allele frequency attached by ClinVar (database versions not stated): gnomAD 0.00003; TOPMed 0.00003; ExAC 0.00002.
gnomAD v4.1: 82 of 1,607,586 alleles (0.0051%); highest among the groups gnomAD compares: Non-Finnish European, 0.0068%; no homozygotes.

Submissions (2):

Labcorp Genetics (formerly Invitae), Labcorp
Classification: Uncertain significance. Last evaluated: 2025-12-22. Review status: criteria provided, single submitter. Criteria: Invitae Variant Classification Sherloc (09022015). Collection method: clinical testing. Allele origin: germline.
Comment: This sequence change replaces alanine, which is neutral and non-polar, with threonine, which is neutral and polar, at codon 1667 of the ANKRD26 protein (p.Ala1667Thr). This variant also falls at the last nucleotide of exon 33, which is part of the consensus splice site for this exon. This variant is present in population databases (rs772061456, gnomAD 0.003%). This variant has not been reported in the literature in individuals affected with ANKRD26-related conditions. ClinVar contains an entry for this variant (Variation ID: 2429560). An algorithm developed to predict the effect of missense changes on protein structure and function (PolyPhen-2) suggests that this variant is likely to be disruptive. Variants that disrupt the consensus splice site are a relatively common cause of aberrant splicing (PMID: 17576681, 9536098). Algorithms developed to predict the effect of sequence changes on RNA splicing suggest that this variant may disrupt the consensus splice site. In summary, the available evidence is currently insufficient to determine the role of this variant in disease. Therefore, it has been classified as a Variant of Uncertain Significance.

GeneDx
Classification: Uncertain significance. Last evaluated: 2025-04-01. Review status: criteria provided, single submitter. Criteria: GeneDx Variant Classification Process June 2021. Collection method: clinical testing. Allele origin: germline. Affected: yes.
Comment: Not observed at significant frequency in large population cohorts (gnomAD); In silico analysis indicates that this missense variant does not alter protein structure/function; Has not been previously published as pathogenic or benign to our knowledge

Literature cited by the submitters: PubMed 17576681 (cited by Labcorp Genetics (formerly Invitae), Labcorp); PubMed 9536098 (cited by Labcorp Genetics (formerly Invitae), Labcorp).

NM_014915.3(ANKRD26):c.4999G>A (p.Ala1667Thr)

Gene: ANKRD26 (ankyrin repeat domain 26; minus strand). Cytogenetic location: 10p12.1.
Variant type: single nucleotide variant.
Coding change: c.4999G>A on transcript NM_014915.3 (MANE Select); coding-DNA position 4999, G replaced by A.
Protein change: p.Ala1667Thr; replaces alanine 1667 with threonine.
Molecular consequence: missense variant.
Genome position (GRCh38, 1-based): chr10:27,006,917, C>T on the plus strand (G>A on the coding strand, the complement: ANKRD26 is on the minus strand). VCF-style: chr10-27006917-C-T. GRCh37 (hg19) VCF-style: chr10-27295846-C-T.
Other names: c.4996G>A, p.Ala1666Thr (NM_001256053.2); short protein forms A1666T, A1667T.
Identifiers: ClinVar variation 2429560 (VCV002429560.6), dbSNP rs772061456, ClinGen allele CA5447671.
Genomic context (GRCh38, chr10:27,006,917, plus strand): 5'-AATTTATTTCAGAAATCAATTAATTAATCTAAATTTAATTCATGAAGTTTGGCAACATAC[C>T]TTCTTTGAGTTCTCTAGTTATATTTTTTTCCAACTCCTGCTGCATCTGAAAAAAGTCAAA-3'
Protein context (NP_055730.2, residues 1657-1677): EKNITRELKE[Ala1667Thr]AAELESGSIA